The following is an entry in ClinVar:

ClinVar aggregate classification (germline): Uncertain significance. Review status: criteria provided, multiple submitters, no conflicts (2 of 4 stars). 2 submissions from 2 submitters: Uncertain significance (2). Last evaluated 2025-01-02.

Conditions:
Epilepsy, childhood absence, susceptibility to, 1. Also called: Epilepsy, childhood absence 1. Identifiers: Orphanet 64280, MedGen C1838604, MONDO:0020759, OMIM 600131.
Epilepsy, childhood absence, susceptibility to, 5. Identifiers: Orphanet 64280, MedGen C2677087, MONDO:0012843, OMIM 612269.

Submissions (2):

GeneDx
Classification: Uncertain significance. Last evaluated: 2025-01-02. Review status: criteria provided, single submitter. Criteria: GeneDx Variant Classification Process June 2021. Collection method: clinical testing. Allele origin: germline. Affected: yes.
Comment: Not observed at significant frequency in large population cohorts (gnomAD); In silico analysis supports that this missense variant has a deleterious effect on protein structure/function; Has not been previously published as pathogenic or benign to our knowledge; This variant is associated with the following publications: (PMID: 38014242)

Labcorp Genetics (formerly Invitae), Labcorp
Classification: Uncertain significance for Epilepsy, childhood absence, susceptibility to, 5; Epilepsy, childhood absence, susceptibility to, 1. Last evaluated: 2024-10-23. Review status: criteria provided, single submitter. Criteria: Invitae Variant Classification Sherloc (09022015). Collection method: clinical testing. Allele origin: germline.
Comment: This sequence change replaces alanine, which is neutral and non-polar, with valine, which is neutral and non-polar, at codon 160 of the GABRB3 protein (p.Ala160Val). This variant is not present in population databases (gnomAD no frequency). This variant has not been reported in the literature in individuals affected with GABRB3-related conditions. ClinVar contains an entry for this variant (Variation ID: 938856). Invitae Evidence Modeling of protein sequence and biophysical properties (such as structural, functional, and spatial information, amino acid conservation, physicochemical variation, residue mobility, and thermodynamic stability) has been performed for this missense variant. However, the output from this modeling did not meet the statistical confidence thresholds required to predict the impact of this variant on GABRB3 protein function. In summary, the available evidence is currently insufficient to determine the role of this variant in disease. Therefore, it has been classified as a Variant of Uncertain Significance.

NM_000814.6(GABRB3):c.479C>T (p.Ala160Val)

Gene: GABRB3 (gamma-aminobutyric acid type A receptor subunit beta3; minus strand). Cytogenetic location: 15q12.
Variant type: single nucleotide variant.
Coding change: c.479C>T on transcript NM_000814.6 (MANE Select); coding-DNA position 479, C replaced by T.
Protein change: p.Ala160Val; replaces alanine 160 with valine.
Molecular consequence: missense variant.
Genome position (GRCh38, 1-based): chr15:26,583,397, G>A on the plus strand (C>T on the coding strand, the complement: GABRB3 is on the minus strand). VCF-style: chr15-26583397-G-A. GRCh37 (hg19) VCF-style: chr15-26828544-G-A.
Other names: c.224C>T, p.Ala75Val (NM_001191320.2, NM_001278631.2); c.266C>T, p.Ala89Val (NM_001191321.3); c.479C>T, p.Ala160Val (NM_021912.5); short protein forms A89V, A160V, A75V.
Identifiers: ClinVar variation 938856 (VCV000938856.10), dbSNP rs1890858644, ClinGen allele CA391458116.